The following is an entry in ClinVar:

GRCh38/hg38 17p13.3-13.2(chr17:1-4452566)x3

Genes: ABR (ABR activator of RhoGEF and GTPase; minus strand), ABR-AS1 (ABR antisense RNA 1; plus strand), ANKFY1 (ankyrin repeat and FYVE domain containing 1; minus strand), ASPA (aspartoacylase; plus strand), ATP2A3 (ATPase sarcoplasmic/endoplasmic reticulum Ca2+ transporting 3; minus strand) and 313 more. Cytogenetic location: 17p13.3-13.2.
Variant type: copy number gain.
Change: copy number 3 (three copies instead of two) of chr17:1-4,452,566 (4.45 Mb, GRCh38 coordinates, 1-based), cytogenetic band 17p13.3-13.2.
Identifiers: ClinVar variation 4888390 (VCV004888390.1).

ClinVar aggregate classification (germline): Pathogenic (1 of 4 stars; one submission).

Conditions:
Chromosome 17p13.3 duplication syndrome. Also called: Chromosome 17p13.3, centromeric, duplication syndrome. Identifiers: Orphanet 217385, MedGen C3808300, MONDO:0013182, OMIM 613215.

Submission:

New York Genome Center
Classification: Pathogenic for Chromosome 17p13.3 duplication syndrome. Last evaluated: 2024-11-08. Review status: criteria provided, single submitter. Criteria: NYGC Assertion Criteria 2020. Collection method: clinical testing. Allele origin: de novo. Affected: yes. Observed: 1 variant allele.
Comment: The ~4.4 Mb terminal gain on 17p contains ~76 protein-coding genes and completely overlaps the recurrent chromosome 17p13.3duplication syndrome critical region (17p13.3) and is classified here as pathogenic.